The following is an entry in ClinVar:

NM_001372.4(DNAH9):c.11827G>A (p.Glu3943Lys)

Gene: DNAH9 (dynein axonemal heavy chain 9; plus strand). Cytogenetic location: 17p12.
Variant type: single nucleotide variant.
Coding change: c.11827G>A on transcript NM_001372.4 (MANE Select); coding-DNA position 11827, G replaced by A.
Protein change: p.Glu3943Lys; replaces glutamic acid 3943 with lysine.
Molecular consequence: missense variant.
Genome position (GRCh38, 1-based): chr17:11,923,891, G>A. VCF-style: chr17-11923891-G-A. GRCh37 (hg19) VCF-style: chr17-11827208-G-A.
Other names: c.763G>A, p.Glu255Lys (NM_004662.2); short protein forms E255K, E3943K.
Identifiers: ClinVar variation 3352261 (VCV003352261.2).

ClinVar aggregate classification (germline): Uncertain significance. Review status: criteria provided, single submitter (1 of 4 stars). 2 submissions from 2 submitters: Uncertain significance (1). 1 of the submissions does not count toward it. Last evaluated 2026-03-17.

Conditions:
Inborn genetic diseases. Identifiers: MedGen C0950123, MeSH D030342.
DNAH9-related disorder. Also called: DNAH9-related condition.

gnomAD v4.1: 17 of 1,613,990 alleles (0.0011%); highest among the groups gnomAD compares: African/African-American, 0.02%; no homozygotes.

Submissions (2):

Ambry Genetics
Classification: Uncertain significance for Inborn genetic diseases. Last evaluated: 2026-03-17. Review status: criteria provided, single submitter. Criteria: Ambry Variant Classification Scheme 2023. Collection method: clinical testing. Allele origin: germline.

PreventionGenetics, part of Exact Sciences
Classification: Uncertain significance for DNAH9-related condition. Last evaluated: 2024-08-31. Review status: no assertion criteria provided. Collection method: clinical testing. Allele origin: germline. Not counted in ClinVar's aggregate classification.
Comment: The DNAH9 c.11827G>A variant is predicted to result in the amino acid substitution p.Glu3943Lys. To our knowledge, this variant has not been reported in the literature. This variant is reported in 0.032% of alleles in individuals of African descent in gnomAD. At this time, the clinical significance of this variant is uncertain due to the absence of conclusive functional and genetic evidence.